The following is an entry in ClinVar:

ClinVar aggregate classification (germline): Benign (1 of 4 stars; one submission).

Allele frequency attached by ClinVar (database versions not stated): TOPMed 0.39061; gnomAD 0.39341 and 0.39824; 1000 Genomes Project 30x 0.45878; 1000 Genomes Project 0.46126.
gnomAD v4.1: 60,211 of 151,582 alleles (40%); highest among the groups gnomAD compares: South Asian, 54%; 12,273 homozygotes.

Submission:

GeneDx
Classification: Benign. Last evaluated: 2018-06-14. Review status: criteria provided, single submitter. Criteria: GeneDx Variant Classification (06012015). Collection method: clinical testing. Allele origin: germline. Affected: yes.
Comment: This variant is considered likely benign or benign based on one or more of the following criteria: it is a conservative change, it occurs at a poorly conserved position in the protein, it is predicted to be benign by multiple in silico algorithms, and/or has population frequency not consistent with disease.

NM_000540.3(RYR1):c.2870+221G>A

Gene: RYR1 (ryanodine receptor 1; plus strand). Cytogenetic location: 19q13.2.
Variant type: single nucleotide variant.
Coding change: c.2870+221G>A on transcript NM_000540.3 (MANE Select); 221 bases into the intron after coding-DNA position 2870, G replaced by A.
Molecular consequence: intron variant.
Genome position (GRCh38, 1-based): chr19:38,464,943, G>A. VCF-style: chr19-38464943-G-A. GRCh37 (hg19) VCF-style: chr19-38955583-G-A.
Other names: c.2870+221G>A (NM_001042723.2).
Identifiers: ClinVar variation 670522 (VCV000670522.1), dbSNP rs2304150, ClinGen allele CA14715176.